The following is an entry in ClinVar:

ClinVar aggregate classification (germline): Conflicting classifications of pathogenicity. Review status: criteria provided, conflicting classifications (1 of 4 stars). 2 submissions from 2 submitters: Likely pathogenic (1); Uncertain significance (1). Last evaluated 2025-05-12.

Conditions:
AMH-related disorder. Also called: AMH-related condition.

Submissions (2):

Women's Health and Genetics/Laboratory Corporation of America, LabCorp
Classification: Uncertain significance. Last evaluated: 2025-05-12. Review status: criteria provided, single submitter. Criteria: LabCorp Variant Classification Summary - May 2015. Collection method: clinical testing. Allele origin: germline.
Comment: Variant summary: AMH c.1518C>G (p.His506Gln) results in a non-conservative amino acid change in the encoded protein sequence. Algorithms developed to predict the effect of missense changes on protein structure and function all suggest that this variant is likely to be disruptive. The variant allele was found at a frequency of 3e-05 in 234290 control chromosomes. c.1518C>G has been observed in an individual affected with Persistent Mullerian duct syndrome (Imbeaud_1996, Gorsic_2017). These data do not allow any conclusion about variant significance. At least one publication reports experimental evidence evaluating an impact on protein function. The most pronounced variant effect results in >60% reduction in AMH-mediated signaling transduction (Gorsic_2017). The following publications have been ascertained in the context of this evaluation (PMID: 28505284, 8872466). No submitters have cited clinical-significance assessments for this variant to ClinVar. Based on the evidence outlined above, the variant was classified as VUS-possibly pathogenic.

Blueprint Genetics
Classification: Likely pathogenic for AMH-related disorders. Last evaluated: 2024-03-19. Review status: criteria provided, single submitter. Criteria: ACMG Guidelines, 2015. Collection method: clinical testing. Allele origin: germline. Affected: yes. Observed: 5 variant alleles.

Literature cited by the submitters: PubMed 28505284 (cited by Women's Health and Genetics/Laboratory Corporation of America, LabCorp); PubMed 8872466 (cited by Women's Health and Genetics/Laboratory Corporation of America, LabCorp).

NM_000479.5(AMH):c.1518C>G (p.His506Gln)

Gene: AMH (anti-Mullerian hormone; plus strand). Cytogenetic location: 19p13.3.
Variant type: single nucleotide variant.
Coding change: c.1518C>G on transcript NM_000479.5 (MANE Select); coding-DNA position 1518, C replaced by G.
Protein change: p.His506Gln; replaces histidine 506 with glutamine.
Molecular consequence: missense variant.
Genome position (GRCh38, 1-based): chr19:2,251,792, C>G. VCF-style: chr19-2251792-C-G. GRCh37 (hg19) VCF-style: chr19-2251791-C-G.
Other names: short protein forms H506Q.
Identifiers: ClinVar variation 3902303 (VCV003902303.2).
Genomic context (GRCh38, chr19:2,251,792, plus strand): 5'-CAATTGCCAGGGCGTGTGCGGCTGGCCTCAGTCCGACCGCAACCCGCGCTACGGCAACCA[C>G]GTGGTGCTGCTGCTGAAGATGCAGGTCCGTGGGGCCGCCCTGGCGCGCCCACCCTGCTGC-3'
Protein context (NP_000470.3, residues 496-516): QSDRNPRYGN[His506Gln]VVLLLKMQVR